The following is an entry in ClinVar:

ClinVar aggregate classification (germline): Pathogenic (1 of 4 stars; one submission).

Submission:

Labcorp Genetics (formerly Invitae), Labcorp
Classification: Pathogenic. Last evaluated: 2023-12-10. Review status: criteria provided, single submitter. Criteria: Invitae Variant Classification Sherloc (09022015). Collection method: clinical testing. Allele origin: germline.
Comment: This sequence change creates a premature translational stop signal (p.Glu378Argfs*4) in the AGXT gene. While this is not anticipated to result in nonsense mediated decay, it is expected to disrupt the last 15 amino acid(s) of the AGXT protein. This variant is not present in population databases (gnomAD no frequency). This variant has not been reported in the literature in individuals affected with AGXT-related conditions. This variant disrupts a region of the AGXT protein in which other variant(s) (p.Cys387*) have been determined to be pathogenic (PMID: 30488096, 32556641). This suggests that this is a clinically significant region of the protein, and that variants that disrupt it are likely to be disease-causing. For these reasons, this variant has been classified as Pathogenic.

Literature cited by the submitters: PubMed 30488096; PubMed 32556641.

NM_000030.3(AGXT):c.1129_1130dup (p.Glu378fs)

Gene: AGXT (alanine--glyoxylate aminotransferase; plus strand). Cytogenetic location: 2q37.3.
Variant type: Duplication.
Coding change: c.1129_1130dup on transcript NM_000030.3 (MANE Select); coding-DNA positions 1129 to 1130, 2 bases duplicated (AC; older notation c.1129_1130dupAC).
Protein change: p.Glu378fs; shifts the reading frame from glutamic acid 378.
Molecular consequence: frameshift variant.
Genome position (GRCh38, 1-based): chr2:240,878,771-240,878,772, AC duplicated. VCF-style (leftmost placement, unchanged base first): chr2-240878770-G-GAC. GRCh37 (hg19) VCF-style: chr2-241818187-G-GAC.
Other names: short protein forms E378fs.
Identifiers: ClinVar variation 2702068 (VCV002702068.3), dbSNP rs2528766539, ClinGen allele CA2697550625.